The following is an entry in ClinVar:

NM_020975.6(RET):c.3040-11C>T

Gene: RET (ret proto-oncogene; plus strand). Cytogenetic location: 10q11.21.
Variant type: single nucleotide variant.
Coding change: c.3040-11C>T on transcript NM_020975.6 (MANE Select); 11 bases into the intron before coding-DNA position 3040, C replaced by T.
Molecular consequence: intron variant.
Genome position (GRCh38, 1-based): chr10:43,126,564, C>T. VCF-style: chr10-43126564-C-T. GRCh37 (hg19) VCF-style: chr10-43622012-C-T.
Other names: c.3040-11C>T (NM_020630.7, NM_001406743.1, NM_001406744.1 and 2 more transcripts); c.2905-11C>T (NM_001406765.1, NM_001406763.1); c.2644-11C>T (NM_001406772.1, NM_001406769.1); c.2602-11C>T (NM_001406773.1, NM_001406771.1); c.2143-11C>T (NM_001406782.1, NM_001406780.1, NM_001406779.1 and 1 more transcripts); c.2008-11C>T (NM_001406787.1); c.2023-11C>T (NM_001406785.1); c.2911-11C>T (NM_001406764.1, NM_001406762.1, NM_001406761.1); and 10 more.
Identifiers: ClinVar variation 1570703 (VCV001570703.10), dbSNP rs1057517646, ClinGen allele CA2573145079.
Genomic context (GRCh38, chr10:43,126,564, plus strand): 5'-GCTTGTTGTATACTGAGTTGTATCTAGTTGTGGCACATGGCTTGGAGTGACCGGCCATCT[C>T]TGTCTTCCAGGACTACTTGGACCTTGCGGCGTCCACTCCATCTGACTCCCTGATTTATGA-3'

ClinVar aggregate classification (germline): Likely benign. Review status: criteria provided, multiple submitters, no conflicts (2 of 4 stars). 2 submissions from 2 submitters: Likely benign (2). Last evaluated 2025-11-12.

Conditions:
Multiple endocrine neoplasia, type 2 (MEN2). Identifiers: Orphanet 653, MedGen C4048306, MONDO:0019003. Disease mechanism: gain of function.

Allele frequency attached by ClinVar (database versions not stated): gnomAD exomes below 0.00001.
gnomAD v4.1: 1 of 1,613,042 alleles (0.000062%); highest among the groups gnomAD compares: Admixed American, 0.0017%; no homozygotes.

Submissions (2):

Labcorp Genetics (formerly Invitae), Labcorp
Classification: Likely benign for Multiple endocrine neoplasia, type 2. Last evaluated: 2025-11-12. Review status: criteria provided, single submitter. Criteria: Invitae Variant Classification Sherloc (09022015). Collection method: clinical testing. Allele origin: germline.

All of Us Research Program, National Institutes of Health
Classification: Likely benign for Multiple endocrine neoplasia, type 2. Last evaluated: 2023-10-27. Review status: criteria provided, single submitter. Criteria: ACMG Guidelines, 2015. Collection method: clinical testing. Allele origin: germline. Inheritance: Autosomal dominant inheritance. Observed: 1 variant allele, 1 heterozygote.
Comment: This study involves interpretation of variants in research participants for the purpose of population health screening. Participant phenotype was not available at the time of variant classification. Additional details can be found in publication PMID: 35346344, PMCID: PMC8962531